The following is an entry in ClinVar:

ClinVar aggregate classification (germline): Uncertain significance (1 of 4 stars; one submission).

Conditions:
Cardiovascular phenotype. Identifiers: MedGen CN230736.

Allele frequency attached by ClinVar (database versions not stated): ExAC 0.00001.

Submission:

Ambry Genetics
Classification: Uncertain significance for Cardiovascular phenotype. Last evaluated: 2021-02-26. Review status: criteria provided, single submitter. Criteria: Ambry Variant Classification Scheme 2023. Collection method: clinical testing. Allele origin: germline.
Comment: The p.N349K variant (also known as c.1047C>G), located in coding exon 2 of the KCNJ5 gene, results from a C to G substitution at nucleotide position 1047. The asparagine at codon 349 is replaced by lysine, an amino acid with similar properties. This amino acid position is well conserved in available vertebrate species. In addition, this alteration is predicted to be tolerated by in silico analysis. Since supporting evidence is limited at this time, the clinical significance of this alteration remains unclear.

NM_000890.5(KCNJ5):c.1047C>G (p.Asn349Lys)

Gene: KCNJ5 (potassium inwardly rectifying channel subfamily J member 5; plus strand). Cytogenetic location: 11q24.3.
Variant type: single nucleotide variant.
Coding change: c.1047C>G on transcript NM_000890.5 (MANE Select); coding-DNA position 1047, C replaced by G.
Protein change: p.Asn349Lys; replaces asparagine 349 with lysine.
Molecular consequence: missense variant.
Genome position (GRCh38, 1-based): chr11:128,916,518, C>G. VCF-style: chr11-128916518-C-G. GRCh37 (hg19) VCF-style: chr11-128786413-C-G.
Other names: c.1047C>G, p.Asn349Lys (NM_001354169.2); short protein forms N349K.
Identifiers: ClinVar variation 1775707 (VCV001775707.2), dbSNP rs759775243, ClinGen allele CA6357990.